The following is an entry in ClinVar:

ClinVar aggregate classification (germline): Conflicting classifications of pathogenicity. Review status: criteria provided, conflicting classifications (1 of 4 stars). 5 submissions from 5 submitters: Uncertain significance (4); Likely benign (1). Last evaluated 2025-07-05.

Conditions:
Hereditary cancer-predisposing syndrome. Also called: Neoplastic Syndromes, Hereditary; Tumor predisposition; Hereditary neoplastic syndrome; Hereditary Cancer Syndrome. Identifiers: Orphanet 140162, MedGen C0027672, MeSH D009386, MONDO:0015356.
Familial adenomatous polyposis 1 (FAP1). Also called: FAMILIAL ADENOMATOUS POLYPOSIS 1, ATTENUATED; POLYPOSIS, ADENOMATOUS INTESTINAL. Identifiers: MedGen C2713442, MONDO:0021056, OMIM 175100. Disease mechanism: loss of function.

Allele frequency attached by ClinVar (database versions not stated): gnomAD exomes below 0.00001; TOPMed below 0.00001; gnomAD 0.00001.
gnomAD v4.1: 3 of 1,613,908 alleles (0.00019%); highest among the groups gnomAD compares: Admixed American, 0.0017%; no homozygotes.

Submissions (5):

Women's Health and Genetics/Laboratory Corporation of America, LabCorp
Classification: Uncertain significance. Last evaluated: 2025-07-05. Review status: criteria provided, single submitter. Criteria: LabCorp Variant Classification Summary - May 2015. Collection method: clinical testing. Allele origin: germline.

Labcorp Genetics (formerly Invitae), Labcorp
Classification: Uncertain significance for Familial adenomatous polyposis 1. Last evaluated: 2024-10-15. Review status: criteria provided, single submitter. Criteria: Invitae Variant Classification Sherloc (09022015). Collection method: clinical testing. Allele origin: germline.
Comment: This sequence change replaces methionine, which is neutral and non-polar, with threonine, which is neutral and polar, at codon 743 of the APC protein (p.Met743Thr). This variant is not present in population databases (gnomAD no frequency). This variant has not been reported in the literature in individuals affected with APC-related conditions. ClinVar contains an entry for this variant (Variation ID: 579279). Invitae Evidence Modeling of protein sequence and biophysical properties (such as structural, functional, and spatial information, amino acid conservation, physicochemical variation, residue mobility, and thermodynamic stability) indicates that this missense variant is not expected to disrupt APC protein function with a negative predictive value of 95%. In summary, the available evidence is currently insufficient to determine the role of this variant in disease. Therefore, it has been classified as a Variant of Uncertain Significance.

Ambry Genetics
Classification: Likely benign for Hereditary cancer-predisposing syndrome. Last evaluated: 2024-07-10. Review status: criteria provided, single submitter. Criteria: Ambry Variant Classification Scheme 2023. Collection method: clinical testing. Allele origin: germline.

Quest Diagnostics Nichols Institute San Juan Capistrano
Classification: Uncertain significance. Last evaluated: 2023-12-09. Review status: criteria provided, single submitter. Criteria: Quest Diagnostics criteria. Collection method: clinical testing. Allele origin: unknown.
Comment: The APC c.2228T>C (p.Met743Thr) variant has not been reported in individuals with APC-related conditions in the published literature. The frequency of this variant in the general population, 0.000004 (1/250168 chromosomes (Genome Aggregation Database)), is uninformative in the assessment of its pathogenicity. Analysis of this variant using bioinformatics tools for the prediction of the effect of amino acid changes on protein structure and function yielded predictions that this variant is damaging. Based on the available information, we are unable to determine the clinical significance of this variant.

Color Diagnostics, LLC DBA Color Health
Classification: Uncertain significance for Hereditary cancer-predisposing syndrome. Last evaluated: 2023-12-05. Review status: criteria provided, single submitter. Criteria: ACMG Guidelines, 2015. Collection method: clinical testing. Allele origin: germline.
Comment: This missense variant replaces methionine with threonine at codon 743 of the APC protein. Computational prediction suggests that this variant may not impact protein structure and function (internally defined REVEL score threshold <= 0.5, PMID: 27666373). To our knowledge, functional studies have not been reported for this variant. This variant has not been reported in individuals affected with APC-related disorders in the literature. This variant has been identified in 1/250168 chromosomes in the general population by the Genome Aggregation Database (gnomAD). The available evidence is insufficient to determine the role of this variant in disease conclusively. Therefore, this variant is classified as a Variant of Uncertain Significance.

NM_000038.6(APC):c.2228T>C (p.Met743Thr)

Gene: APC (APC regulator of Wnt signaling pathway; plus strand). Cytogenetic location: 5q22.2.
Variant type: single nucleotide variant.
Coding change: c.2228T>C on transcript NM_000038.6 (MANE Select); coding-DNA position 2228, T replaced by C.
Protein change: p.Met743Thr; replaces methionine 743 with threonine.
Molecular consequence: missense variant.
Genome position (GRCh38, 1-based): chr5:112,837,822, T>C. VCF-style: chr5-112837822-T-C. GRCh37 (hg19) VCF-style: chr5-112173519-T-C.
Other names: c.2228T>C, p.Met743Thr (NM_001127510.3, NM_001354895.2); c.2174T>C, p.Met725Thr (NM_001127511.3); c.2282T>C, p.Met761Thr (NM_001354896.2); c.2258T>C, p.Met753Thr (NM_001354897.2); c.2153T>C, p.Met718Thr (NM_001354898.2); c.2144T>C, p.Met715Thr (NM_001354899.2); c.2105T>C, p.Met702Thr (NM_001354900.2); c.2051T>C, p.Met684Thr (NM_001354901.2); and 5 more; short protein forms M725T, M743T, M460T, M642T, M684T, M617T, M583T, M652T.
Identifiers: ClinVar variation 579279 (VCV000579279.27), dbSNP rs878853425, ClinGen allele CA16026215.